The following is an entry in ClinVar:

ClinVar aggregate classification (germline): Uncertain significance. Review status: criteria provided, multiple submitters, no conflicts (2 of 4 stars). 3 submissions from 3 submitters: Uncertain significance (3). Last evaluated 2025-03-22.

Conditions:
FASN-related disorder. Also called: FASN-related condition.
Epileptic encephalopathy. Identifiers: MedGen C0543888, HP:0200134.

Allele frequency attached by ClinVar (database versions not stated): ExAC 0.00001; gnomAD 0.00001; gnomAD exomes 0.00001; TOPMed 0.00001.
gnomAD v4.1: 27 of 1,612,020 alleles (0.0017%); highest among the groups gnomAD compares: African/African-American, 0.0053%; no homozygotes.

Submissions (3):

Ambry Genetics
Classification: Uncertain significance. Last evaluated: 2025-03-22. Review status: criteria provided, single submitter. Criteria: Ambry Variant Classification Scheme 2023. Collection method: clinical testing. Allele origin: germline.

PreventionGenetics, part of Exact Sciences
Classification: Uncertain significance for FASN-related condition. Last evaluated: 2025-03-12. Review status: criteria provided, single submitter. Criteria: ACMG Guidelines, 2015. Collection method: clinical testing. Allele origin: germline.
Comment: The FASN c.2701C>T variant is predicted to result in the amino acid substitution p.Arg901Cys. To our knowledge, this variant has not been reported in the literature. This variant is reported in 0.0081% of alleles in individuals of African descent in gnomAD. At this time, the clinical significance of this variant is uncertain due to the absence of conclusive functional and genetic evidence.

Labcorp Genetics (formerly Invitae), Labcorp
Classification: Uncertain significance for Epileptic encephalopathy. Last evaluated: 2024-07-08. Review status: criteria provided, single submitter. Criteria: Invitae Variant Classification Sherloc (09022015). Collection method: clinical testing. Allele origin: germline.
Comment: This sequence change replaces arginine, which is basic and polar, with cysteine, which is neutral and slightly polar, at codon 901 of the FASN protein (p.Arg901Cys). This variant is present in population databases (rs768819928, gnomAD 0.008%). This variant has not been reported in the literature in individuals affected with FASN-related conditions. ClinVar contains an entry for this variant (Variation ID: 862973). An algorithm developed to predict the effect of missense changes on protein structure and function (PolyPhen-2) suggests that this variant is likely to be disruptive. In summary, the available evidence is currently insufficient to determine the role of this variant in disease. Therefore, it has been classified as a Variant of Uncertain Significance.

NM_004104.5(FASN):c.2701C>T (p.Arg901Cys)

Gene: FASN (fatty acid synthase; minus strand). Cytogenetic location: 17q25.3.
Variant type: single nucleotide variant.
Coding change: c.2701C>T on transcript NM_004104.5 (MANE Select); coding-DNA position 2701, C replaced by T.
Protein change: p.Arg901Cys; replaces arginine 901 with cysteine.
Molecular consequence: missense variant.
Genome position (GRCh38, 1-based): chr17:82,088,200, G>A on the plus strand (C>T on the coding strand, the complement: FASN is on the minus strand). VCF-style: chr17-82088200-G-A. GRCh37 (hg19) VCF-style: chr17-80046076-G-A.
Other names: short protein forms R901C.
Identifiers: ClinVar variation 862973 (VCV000862973.11), dbSNP rs768819928, ClinGen allele CA8852680.